The following is an entry in ClinVar:

ClinVar aggregate classification (germline): Uncertain significance (1 of 4 stars; one submission).

Allele frequency attached by ClinVar (database versions not stated): gnomAD exomes below 0.00001; TOPMed below 0.00001.
gnomAD v4.1: 6 of 1,612,658 alleles (0.00037%); highest among the groups gnomAD compares: Non-Finnish European, 0.00051%; no homozygotes.

Submission:

Labcorp Genetics (formerly Invitae), Labcorp
Classification: Uncertain significance. Last evaluated: 2024-10-12. Review status: criteria provided, single submitter. Criteria: Invitae Variant Classification Sherloc (09022015). Collection method: clinical testing. Allele origin: germline.
Comment: This sequence change replaces leucine, which is neutral and non-polar, with phenylalanine, which is neutral and non-polar, at codon 1112 of the SKIV2L protein (p.Leu1112Phe). This variant is not present in population databases (gnomAD no frequency). This variant has not been reported in the literature in individuals affected with SKIV2L-related conditions. ClinVar contains an entry for this variant (Variation ID: 1425106). An algorithm developed to predict the effect of missense changes on protein structure and function (PolyPhen-2) suggests that this variant is likely to be disruptive. In summary, the available evidence is currently insufficient to determine the role of this variant in disease. Therefore, it has been classified as a Variant of Uncertain Significance.

NM_006929.5(SKIC2):c.3334C>T (p.Leu1112Phe)

Gene: SKIC2 (SKI2 subunit of superkiller complex; plus strand). Cytogenetic location: 6p21.33.
Variant type: single nucleotide variant.
Coding change: c.3334C>T on transcript NM_006929.5 (MANE Select); coding-DNA position 3334, C replaced by T.
Protein change: p.Leu1112Phe; replaces leucine 1112 with phenylalanine.
Molecular consequence: missense variant.
Genome position (GRCh38, 1-based): chr6:31,969,024, C>T. VCF-style: chr6-31969024-C-T. GRCh37 (hg19) VCF-style: chr6-31936801-C-T.
Other names: short protein forms L1112F.
Identifiers: ClinVar variation 1425106 (VCV001425106.6), dbSNP rs1772999441, ClinGen allele CA363488685.